The following is an entry in ClinVar:

NM_182914.3(SYNE2):c.6758C>G (p.Ser2253Ter)

Gene: SYNE2 (spectrin repeat containing nuclear envelope protein 2; plus strand). Cytogenetic location: 14q23.2.
Variant type: single nucleotide variant.
Coding change: c.6758C>G on transcript NM_182914.3 (MANE Select); coding-DNA position 6758, C replaced by G.
Protein change: p.Ser2253Ter; replaces serine 2253 with a stop codon.
Molecular consequence: nonsense.
Genome position (GRCh38, 1-based): chr14:64,029,938, C>G. VCF-style: chr14-64029938-C-G. GRCh37 (hg19) VCF-style: chr14-64496656-C-G.
Other names: c.6758C>G, p.Ser2253Ter (NM_015180.6); short protein forms S2253*.
Identifiers: ClinVar variation 4856964 (VCV004856964.2).
Genomic context (GRCh38, chr14:64,029,938, plus strand): 5'-TGTGGCTTTATTTTTAGGATTCTGTGCAAAACTTGGACGGTCACGTTCGAGAACATGATT[C>G]ATACCAGGTTTGCGTCACAGACCTGAATACTACATTGGACAATTTCTCCAAGGAATTTGT-3'

ClinVar aggregate classification (germline): Likely pathogenic (1 of 4 stars; one submission).

Submission:

Dasa
Classification: Likely pathogenic. Last evaluated: 2024-08-08. Review status: criteria provided, single submitter. Criteria: DASA Assertion Criteria. Collection method: clinical testing. Allele origin: germline.
Comment: NM_182914.3(SYNE2):c.6758C>G (p.Ser2253*) is a nonsense variant in SYNE2 predicted to introduce a premature termination codon and is predicted to result in an absent or altered protein product. Loss of function is an established disease mechanism for SYNE2-associated disorders. Also, this variant is absent from population databases. Based on the currently available evidence, this variant is classified as likely pathogenic.